The following is an entry in ClinVar:

ClinVar aggregate classification (germline): Uncertain significance (1 of 4 stars; one submission).

Conditions:
Diamond-Blackfan anemia 21. Identifiers: MedGen C5774230, MONDO:0031071, OMIM 620072.

gnomAD v4.1: 1 of 1,579,304 alleles (0.000063%); highest among the groups gnomAD compares: Non-Finnish European, 0.000086%; no homozygotes.

Submission:

Suma Genomics
Classification: Uncertain significance for Diamond-Blackfan anemia 21. Review status: criteria provided, single submitter. Criteria: ACMG Guidelines, 2015. Collection method: clinical testing. Allele origin: germline. Inheritance: Autosomal recessive inheritance. Affected: yes. Observed: 1 compound heterozygote.
Comment: A missense variant c.1397C>T, p.(Ala466Val) is observed in exon 11 of HEATR3. This variant is observed in one individual in the gnomAD database in heterozygous state. This variant is classified as a variant of uncertain significance. ACMG criteria met: PM2_Supporting

NM_182922.4(HEATR3):c.1397C>T (p.Ala466Val)

Gene: HEATR3 (HEAT repeat containing 3; plus strand). Cytogenetic location: 16q12.1.
Variant type: single nucleotide variant.
Coding change: c.1397C>T on transcript NM_182922.4 (MANE Select); coding-DNA position 1397, C replaced by T.
Protein change: p.Ala466Val; replaces alanine 466 with valine.
Molecular consequence: missense variant. On other transcripts: non-coding transcript variant (2).
Genome position (GRCh38, 1-based): chr16:50,086,238, C>T. VCF-style: chr16-50086238-C-T. GRCh37 (hg19) VCF-style: chr16-50120149-C-T.
Other names: c.1046C>T, p.Ala349Val (NM_001329729.2, NM_001329730.2); c.704C>T, p.Ala235Val (NM_001329731.2); short protein forms A235V, A349V, A466V.
Identifiers: ClinVar variation 3366317 (VCV003366317.2).